The following is an entry in ClinVar:

NM_001365276.2(TNXB):c.1591G>A (p.Asp531Asn)

Gene: TNXB (tenascin XB; minus strand). Cytogenetic location: 6p21.33.
Variant type: single nucleotide variant.
Coding change: c.1591G>A on transcript NM_001365276.2 (MANE Select); coding-DNA position 1591, G replaced by A.
Protein change: p.Asp531Asn; replaces aspartic acid 531 with asparagine.
Molecular consequence: missense variant.
Genome position (GRCh38, 1-based): chr6:32,096,262, C>T on the plus strand (G>A on the coding strand, the complement: TNXB is on the minus strand). VCF-style: chr6-32096262-C-T. GRCh37 (hg19) VCF-style: chr6-32064039-C-T.
Other names: c.1591G>A, p.Asp531Asn (NM_019105.8); short protein forms D531N.
Identifiers: ClinVar variation 3327964 (VCV003327964.2).

ClinVar aggregate classification (germline): Uncertain significance (1 of 4 stars; one submission).

Conditions:
Cardiovascular phenotype. Identifiers: MedGen CN230736.

gnomAD v4.1: 6 of 1,564,340 alleles (0.00038%); highest among the groups gnomAD compares: Non-Finnish European, 0.000086%; no homozygotes.

Submission:

Ambry Genetics
Classification: Uncertain significance for Cardiovascular phenotype. Last evaluated: 2025-07-21. Review status: criteria provided, single submitter. Criteria: Ambry Variant Classification Scheme 2023. Collection method: clinical testing. Allele origin: germline.
Comment: The p.D531N variant (also known as c.1591G>A), located in coding exon 2 of the TNXB gene, results from a G to A substitution at nucleotide position 1591. The aspartic acid at codon 531 is replaced by asparagine, an amino acid with highly similar properties. This amino acid position is conserved. In addition, this alteration is predicted to be tolerated by in silico analysis. Based on the available evidence, the clinical significance of this variant remains unclear.